The following is an entry in ClinVar:

ClinVar aggregate classification (germline): Uncertain significance (1 of 4 stars; one submission).

Submission:

Labcorp Genetics (formerly Invitae), Labcorp
Classification: Uncertain significance. Last evaluated: 2024-04-08. Review status: criteria provided, single submitter. Criteria: Invitae Variant Classification Sherloc (09022015). Collection method: clinical testing. Allele origin: germline.
Comment: This sequence change replaces leucine, which is neutral and non-polar, with valine, which is neutral and non-polar, at codon 14 of the FH protein (p.Leu14Val). This variant is not present in population databases (gnomAD no frequency). This variant has not been reported in the literature in individuals affected with FH-related conditions. Advanced modeling of protein sequence and biophysical properties (such as structural, functional, and spatial information, amino acid conservation, physicochemical variation, residue mobility, and thermodynamic stability) performed at Invitae indicates that this missense variant is not expected to disrupt FH protein function with a negative predictive value of 95%. In summary, the available evidence is currently insufficient to determine the role of this variant in disease. Therefore, it has been classified as a Variant of Uncertain Significance.

NM_000143.4(FH):c.40C>G (p.Leu14Val)

Gene: FH (fumarate hydratase; minus strand). Cytogenetic location: 1q43.
Variant type: single nucleotide variant.
Coding change: c.40C>G on transcript NM_000143.4 (MANE Select); coding-DNA position 40, C replaced by G.
Protein change: p.Leu14Val; replaces leucine 14 with valine.
Molecular consequence: missense variant.
Genome position (GRCh38, 1-based): chr1:241,519,683, G>C on the plus strand (C>G on the coding strand, the complement: FH is on the minus strand). VCF-style: chr1-241519683-G-C. GRCh37 (hg19) VCF-style: chr1-241682983-G-C.
Other names: short protein forms L14V.
Identifiers: ClinVar variation 2841519 (VCV002841519.3), dbSNP rs981562354, ClinGen allele CA345442984.